The following is an entry in ClinVar:

NM_000091.5(COL4A3):c.3716G>A (p.Gly1239Glu)

Genes: COL4A3 (collagen type IV alpha 3 chain; plus strand), MFF-DT (MFF divergent transcript; minus strand). Cytogenetic location: 2q36.3.
Variant type: single nucleotide variant.
Coding change: c.3716G>A on transcript NM_000091.5 (MANE Select); coding-DNA position 3716, G replaced by A.
Protein change: p.Gly1239Glu; replaces glycine 1239 with glutamic acid.
Molecular consequence: missense variant.
Genome position (GRCh38, 1-based): chr2:227,297,824, G>A. VCF-style: chr2-227297824-G-A. GRCh37 (hg19) VCF-style: chr2-228162540-G-A.
Other names: p.(Gly1239Glu); short protein forms G1239E.
Identifiers: ClinVar variation 1417584 (VCV001417584.9), dbSNP rs2106247510, ClinGen allele CA350860423.
Genomic context (GRCh38, chr2:227,297,824, plus strand): 5'-GCATAGAAGGATTCCCAGGGCCACCAGGTCTGCCCGGTGCAATTATCCCTGGCCAGACAG[G>A]AAATCGTGGTCCACCAGGCTCAAGAGGAAGCCCAGGTAAAGGGTTTACTTTTAAACAGCA-3'
Protein context (NP_000082.2, residues 1229-1249): LPGAIIPGQT[Gly1239Glu]NRGPPGSRGS

ClinVar aggregate classification (germline): Likely pathogenic. Review status: criteria provided, multiple submitters, no conflicts (2 of 4 stars). 4 submissions from 4 submitters: Likely pathogenic (3). 1 of the submissions does not count toward it. Last evaluated 2026-03-13.

Conditions:
Hematuria, benign familial, 2 (BFH2). Identifiers: MedGen C5830421, MONDO:0958186, OMIM 620320.
Autosomal dominant Alport syndrome (ATS3A). Also called: Alport syndrome dominant type; Renal failure and sensorineural hearing loss; ALPORT SYNDROME 3A, AUTOSOMAL DOMINANT. Identifiers: Orphanet 63, Orphanet 88918, MedGen C5882663, MONDO:0007086, OMIM 104200.

Allele frequency attached by ClinVar (database versions not stated): gnomAD exomes below 0.00001.
gnomAD v4.1: 2 of 1,565,428 alleles (0.00013%); highest among the groups gnomAD compares: Non-Finnish European, 0.000087%; no homozygotes.

Submissions (4):

Centre de Génétique Humaine, Institut de Pathologie Et de Génétique
Classification: Likely pathogenic for Autosomal dominant Alport syndrome; Hematuria, benign familial, 2. Last evaluated: 2026-03-13. Review status: criteria provided, single submitter. Criteria: ACMG Guidelines, 2015. Collection method: clinical testing. Allele origin: germline. Inheritance: Autosomal dominant inheritance. Affected: yes. Observed: 2 variant alleles, 2 heterozygotes. Clinical features observed: Microscopic hematuria (HP:0002907), Proteinuria (HP:0000093), Stage 5 chronic kidney disease (HP:0003774). Segregation with disease not observed.
Comment: This missense variant involves a highly conserved glycine located in a ‘Gly-X-Y’ motif in collagenous region, which is characteristic of the pathogenic variants identified in the COL4A3 gene (PM1,PP2). This variant is rare: allelic frequency of 0.00012% in gnomAD v4.1.0 database (PM2); In silico analysis supports that this missense variant has a deleterious effect (PP3). (PP5)

Variantyx, Inc.
Classification: Likely pathogenic for Autosomal dominant Alport syndrome. Last evaluated: 2025-12-16. Review status: criteria provided, single submitter. Criteria: Variantyx Assertion Criteria 2022. Collection method: clinical testing. Allele origin: germline. Inheritance: Autosomal dominant inheritance. Affected: no.
Comment: This is a nonsynonymous variant in the COL4A3 gene (OMIM: 120070). Pathogenic variants in this gene have been associated with autosomal dominant Alport spectrum. This variant lies within a known hotspot for pathogenic variants or a well-established critical functional domain of the COL4A3 protein (PMID: 28098982) (PM1_Strong), and multiple computational algorithms predict a deleterious effect for this variant (REVEL score: 0.955) (PP3). This variant has been reported in the homozygous or compound heterozygous state in at least one affected individual (PMID: 33772369) and it has a 0.0001% maximum allele frequency in non-founder control populations (PM2). Based on the current evidence, this variant is classified as likely pathogenic for autosomal dominant Alport spectrum.

GeneDx
Classification: Likely pathogenic. Last evaluated: 2024-07-12. Review status: criteria provided, single submitter. Criteria: GeneDx Variant Classification Process June 2021. Collection method: clinical testing. Allele origin: germline. Affected: yes.
Comment: Observed with a second COL4A3 variant on the opposite allele (in trans) in a patient with Alport syndrome in published literature (PMID: 33772369); Affects a glycine residue in a Gly-X-Y motif in the triple helical region of the COL4A3 gene, where the majority of pathogenic missense variants occur, and is predicted to disrupt normal protein folding and function (PMID 10752524); Not observed at significant frequency in large population cohorts (gnomAD); In silico analysis supports that this missense variant has a deleterious effect on protein structure/function; This variant is associated with the following publications: (PMID: 28632965, 33040356, 10752524, 33772369)

Labcorp Genetics (formerly Invitae), Labcorp
Classification: Uncertain significance. Last evaluated: 2021-11-01. Review status: flagged submission. Criteria: Invitae Variant Classification Sherloc (09022015). Collection method: clinical testing. Allele origin: germline. Not counted in ClinVar's aggregate classification.
Comment: In summary, the available evidence is currently insufficient to determine the role of this variant in disease. Therefore, it has been classified as a Variant of Uncertain Significance. Advanced modeling of protein sequence and biophysical properties (such as structural, functional, and spatial information, amino acid conservation, physicochemical variation, residue mobility, and thermodynamic stability) performed at Invitae indicates that this missense variant is expected to disrupt COL4A3 protein function. This variant has not been reported in the literature in individuals affected with COL4A3-related conditions. This variant is not present in population databases (gnomAD no frequency). This sequence change replaces glycine, which is neutral and non-polar, with glutamic acid, which is acidic and polar, at codon 1239 of the COL4A3 protein (p.Gly1239Glu).
ClinVar note: Reason: Outlier claim with insufficient supporting evidence

Literature cited by the submitters: PubMed 33772369 (cited by Centre de Génétique Humaine, Institut de Pathologie Et de Génétique and Variantyx, Inc.); PubMed 28098982 (cited by Variantyx, Inc.).